The following is an entry in ClinVar:

NM_033159.4(HYAL1):c.886C>G (p.His296Asp)

Gene: HYAL1 (hyaluronidase 1; minus strand). Cytogenetic location: 3p21.31.
Variant type: single nucleotide variant.
Coding change: c.886C>G on transcript NM_033159.4 (MANE Select); coding-DNA position 886, C replaced by G.
Protein change: p.His296Asp; replaces histidine 296 with aspartic acid.
Molecular consequence: missense variant. On other transcripts: non-coding transcript variant (1).
Genome position (GRCh38, 1-based): chr3:50,302,071, G>C on the plus strand (C>G on the coding strand, the complement: HYAL1 is on the minus strand). VCF-style: chr3-50302071-G-C. GRCh37 (hg19) VCF-style: chr3-50339502-G-C.
Other names: c.886C>G, p.His296Asp (NM_007312.3, NM_153281.2, NM_153282.3); c.340C>G, p.His114Asp (NM_153283.3); c.109C>G, p.His37Asp (NM_153285.3); c.886C>G (NM_153281.1); short protein forms H114D, H296D, H37D.
Identifiers: ClinVar variation 2157262 (VCV002157262.2), dbSNP rs587658260, ClinGen allele CA2415848.
Genomic context (GRCh38, chr3:50,302,071, plus strand): 5'-TCTGACAAGGCAGGTTGACAAGGTGGGCAGGTTACAGAAGACTCACCAGGGGCAGAAAGT[G>C]GTTTGTCGTGTCATAGAAGATCTGGACATAGGGCAGCACCGGCAGATTGGGGTCACCAGC-3'
Protein context (NP_149349.2, residues 286-306): YVQIFYDTTN[His296Asp]FLPLDELEHS

ClinVar aggregate classification (germline): Uncertain significance. Review status: criteria provided, multiple submitters, no conflicts (2 of 4 stars). 2 submissions from 2 submitters: Uncertain significance (2). Last evaluated 2022-12-16.

Conditions:
Deficiency of hyaluronoglucosaminidase (MPS9). Also called: HYALURONIDASE DEFICIENCY; MPS IX; Mucopolysaccharidosis type 9. Identifiers: Orphanet 67041, MedGen C1291490, MONDO:0011093, OMIM 601492.

Allele frequency attached by ClinVar (database versions not stated): TOPMed 0.00002; gnomAD 0.00003; gnomAD exomes 0.00006; ExAC 0.00011; 1000 Genomes Project 30x 0.00016; 1000 Genomes Project 0.00020.
gnomAD v4.1: 95 of 1,614,198 alleles (0.0059%); highest among the groups gnomAD compares: South Asian, 0.098%; no homozygotes.

Submissions (2):

Ambry Genetics
Classification: Uncertain significance. Last evaluated: 2022-12-16. Review status: criteria provided, single submitter. Criteria: Ambry Variant Classification Scheme 2023. Collection method: clinical testing. Allele origin: germline.

Labcorp Genetics (formerly Invitae), Labcorp
Classification: Uncertain significance for Deficiency of hyaluronoglucosaminidase. Last evaluated: 2022-10-13. Review status: criteria provided, single submitter. Criteria: Invitae Variant Classification Sherloc (09022015). Collection method: clinical testing. Allele origin: germline.
Comment: This sequence change replaces histidine, which is basic and polar, with aspartic acid, which is acidic and polar, at codon 296 of the HYAL1 protein (p.His296Asp). This variant is present in population databases (rs587658260, gnomAD 0.07%). This variant has not been reported in the literature in individuals affected with HYAL1-related conditions. Algorithms developed to predict the effect of missense changes on protein structure and function (SIFT, PolyPhen-2, Align-GVGD) all suggest that this variant is likely to be tolerated. In summary, the available evidence is currently insufficient to determine the role of this variant in disease. Therefore, it has been classified as a Variant of Uncertain Significance.